The following is an entry in ClinVar:

ClinVar aggregate classification (germline): Pathogenic (1 of 4 stars; one submission).

Conditions:
Marfan syndrome (MFS). Also called: MARFAN SYNDROME, TYPE I; Marfan syndrome type 1; Marfan's syndrome; Marfan syndrome, classic; FBN1-Related Marfan Syndrome. Identifiers: Orphanet 284963, Orphanet 558, MedGen C0024796, MONDO:0007947, OMIM 154700.
Familial thoracic aortic aneurysm and aortic dissection (TAAD). Also called: Thoracic aortic aneurysms and dissections. Identifiers: Orphanet 91387, MedGen C4707243, MONDO:0019625.

Submission:

Labcorp Genetics (formerly Invitae), Labcorp
Classification: Pathogenic for Marfan syndrome; Familial thoracic aortic aneurysm and aortic dissection. Last evaluated: 2022-12-22. Review status: criteria provided, single submitter. Criteria: Invitae Variant Classification Sherloc (09022015). Collection method: clinical testing. Allele origin: germline.
Comment: For these reasons, this variant has been classified as Pathogenic. This variant has not been reported in the literature in individuals affected with FBN1-related conditions. This variant is not present in population databases (gnomAD no frequency). This sequence change creates a premature translational stop signal (p.Ser1235Tyrfs*41) in the FBN1 gene. It is expected to result in an absent or disrupted protein product. Loss-of-function variants in FBN1 are known to be pathogenic (PMID: 17657824, 19293843).

Literature cited by the submitters: PubMed 17657824; PubMed 19293843.

NM_000138.5(FBN1):c.3704del (p.Ser1235fs)

Gene: FBN1 (fibrillin 1; minus strand). Cytogenetic location: 15q21.1.
Variant type: Deletion.
Coding change: c.3704del on transcript NM_000138.5 (MANE Select); coding-DNA position 3704, one base deleted (C; older notation c.3704delC).
Protein change: p.Ser1235fs; shifts the reading frame from serine 1235.
Molecular consequence: frameshift variant.
Genome position (GRCh38, 1-based): chr15:48,485,382, G deleted on the plus strand (C on the coding strand, the reverse complement: FBN1 is on the minus strand). VCF-style (leftmost placement, unchanged base first): chr15-48485381-TG-T. GRCh37 (hg19) VCF-style: chr15-48777578-TG-T.
Other names: c.3704del, p.Ser1235fs (NM_001406716.1); short protein forms S1235fs.
Identifiers: ClinVar variation 2941428 (VCV002941428.3), dbSNP rs2505544689, ClinGen allele CA2740096707.